The following is an entry in ClinVar:

ClinVar aggregate classification (germline): Uncertain significance (1 of 4 stars; one submission).

Conditions:
Inborn genetic diseases. Identifiers: MedGen C0950123, MeSH D030342.

Submission:

Ambry Genetics
Classification: Uncertain significance for Inborn genetic diseases. Last evaluated: 2026-01-19. Review status: criteria provided, single submitter. Criteria: Ambry Variant Classification Scheme 2023. Collection method: clinical testing. Allele origin: germline.
Comment: The p.S326R variant (also known as c.976A>C), located in coding exon 5 of the RECQL4 gene, results from an A to C substitution at nucleotide position 976. The serine at codon 326 is replaced by arginine, an amino acid with dissimilar properties. This amino acid position is conserved. In addition, this alteration is predicted to be tolerated by in silico analysis. Based on the available evidence, the clinical significance of this variant remains unclear.

NM_004260.4(RECQL4):c.976A>C (p.Ser326Arg)

Gene: RECQL4 (RecQ like helicase 4; minus strand). Cytogenetic location: 8q24.3.
Variant type: single nucleotide variant.
Coding change: c.976A>C on transcript NM_004260.4 (MANE Select); coding-DNA position 976, A replaced by C.
Protein change: p.Ser326Arg; replaces serine 326 with arginine.
Molecular consequence: missense variant. On other transcripts: 5 prime UTR variant (16), non-coding transcript variant (3), intron variant (3).
Genome position (GRCh38, 1-based): chr8:144,516,143, T>G on the plus strand (A>C on the coding strand, the complement: RECQL4 is on the minus strand). VCF-style: chr8-144516143-T-G. GRCh37 (hg19) VCF-style: chr8-145741527-T-G.
Other names: c.-96A>C (NM_001413037.1, NM_001413038.1, NM_001413040.1 and 7 more transcripts); c.976A>C, p.Ser326Arg (NM_001413039.1, NM_001413018.1, NM_001413019.1 and 2 more transcripts); c.-158A>C (NM_001413041.1, NM_001413027.1, NM_001413030.1 and 2 more transcripts); c.-365A>C (NM_001413043.1); c.953+23A>C (NM_001413017.1, NM_001413020.1); c.847A>C, p.Ser283Arg (NM_001413025.1); c.625A>C, p.Ser209Arg (NM_001413029.1); c.-23+23A>C (NM_001413034.1); short protein forms S209R, S283R, S326R.
Identifiers: ClinVar variation 4844348 (VCV004844348.1).